The following is an entry in ClinVar:

ClinVar aggregate classification (germline): Uncertain significance (1 of 4 stars; one submission).

Conditions:
Hereditary cancer-predisposing syndrome. Also called: Neoplastic Syndromes, Hereditary; Tumor predisposition; Hereditary Cancer Syndrome; Hereditary neoplastic syndrome. Identifiers: Orphanet 140162, MedGen C0027672, MeSH D009386, MONDO:0015356.

Submission:

Ambry Genetics
Classification: Uncertain significance for Hereditary cancer-predisposing syndrome. Last evaluated: 2025-06-08. Review status: criteria provided, single submitter. Criteria: Ambry Variant Classification Scheme 2023. Collection method: clinical testing. Allele origin: germline.
Comment: The p.S101P variant (also known as c.301T>C), located in coding exon 3 of the XRCC2 gene, results from a T to C substitution at nucleotide position 301. The serine at codon 101 is replaced by proline, an amino acid with similar properties. This amino acid position is conserved. In addition, this alteration is predicted to be tolerated by in silico analysis. Since supporting evidence is limited at this time, the clinical significance of this alteration remains unclear.

NM_005431.2(XRCC2):c.301T>C (p.Ser101Pro)

Gene: XRCC2 (X-ray repair cross complementing 2; minus strand). Cytogenetic location: 7q36.1.
Variant type: single nucleotide variant.
Coding change: c.301T>C on transcript NM_005431.2 (MANE Select); coding-DNA position 301, T replaced by C.
Protein change: p.Ser101Pro; replaces serine 101 with proline.
Molecular consequence: missense variant.
Genome position (GRCh38, 1-based): chr7:152,649,184, A>G on the plus strand (T>C on the coding strand, the complement: XRCC2 is on the minus strand). VCF-style: chr7-152649184-A-G. GRCh37 (hg19) VCF-style: chr7-152346269-A-G.
Other names: short protein forms S101P.
Identifiers: ClinVar variation 1798908 (VCV001798908.3), dbSNP rs2485881655, ClinGen allele CA370199005.